The following is an entry in ClinVar:

ClinVar aggregate classification (germline): Uncertain significance (1 of 4 stars; one submission).

Conditions:
Inborn genetic diseases. Identifiers: MedGen C0950123, MeSH D030342.

gnomAD v4.1: 2 of 1,614,042 alleles (0.00012%); highest among the groups gnomAD compares: African/African-American, 0.0027%; no homozygotes.

Submission:

Ambry Genetics
Classification: Uncertain significance for Inborn genetic diseases. Last evaluated: 2025-09-26. Review status: criteria provided, single submitter. Criteria: Ambry Variant Classification Scheme 2023. Collection method: clinical testing. Allele origin: germline.
Comment: The p.P250R variant (also known as c.749C>G), located in coding exon 6 of the BMPR2 gene, results from a C to G substitution at nucleotide position 749. The proline at codon 250 is replaced by arginine, an amino acid with dissimilar properties. This amino acid position is conserved. In addition, this alteration is predicted to be deleterious by in silico analysis. Based on the available evidence, the clinical significance of this variant remains unclear.

NM_001204.7(BMPR2):c.749C>G (p.Pro250Arg)

Gene: BMPR2 (bone morphogenetic protein receptor type 2; plus strand). Cytogenetic location: 2q33.2.
Variant type: single nucleotide variant.
Coding change: c.749C>G on transcript NM_001204.7 (MANE Select); coding-DNA position 749, C replaced by G.
Protein change: p.Pro250Arg; replaces proline 250 with arginine.
Molecular consequence: missense variant.
Genome position (GRCh38, 1-based): chr2:202,518,949, C>G. VCF-style: chr2-202518949-C-G. GRCh37 (hg19) VCF-style: chr2-203383672-C-G.
Other names: short protein forms P250R.
Identifiers: ClinVar variation 4597118 (VCV004597118.1).